The following is an entry in ClinVar:

ClinVar aggregate classification (germline): Uncertain significance (1 of 4 stars; one submission).

Conditions:
Hereditary cancer-predisposing syndrome. Also called: Tumor predisposition; Hereditary Cancer Syndrome; Neoplastic Syndromes, Hereditary; Hereditary neoplastic syndrome. Identifiers: Orphanet 140162, MedGen C0027672, MeSH D009386, MONDO:0015356.

Submission:

Ambry Genetics
Classification: Uncertain significance for Hereditary cancer-predisposing syndrome. Last evaluated: 2022-09-28. Review status: criteria provided, single submitter. Criteria: Ambry Variant Classification Scheme 2023. Collection method: clinical testing. Allele origin: germline.
Comment: The p.D856Y variant (also known as c.2566G>T), located in coding exon 20 of the POLD1 gene, results from a G to T substitution at nucleotide position 2566. The aspartic acid at codon 856 is replaced by tyrosine, an amino acid with highly dissimilar properties. This amino acid position is conserved. In addition, the in silico prediction for this alteration is inconclusive. Since supporting evidence is limited at this time, the clinical significance of this alteration remains unclear.

NM_002691.4(POLD1):c.2566G>T (p.Asp856Tyr)

Gene: POLD1 (DNA polymerase delta 1, catalytic subunit; plus strand). Cytogenetic location: 19q13.33.
Variant type: single nucleotide variant.
Coding change: c.2566G>T on transcript NM_002691.4 (MANE Select); coding-DNA position 2566, G replaced by T.
Protein change: p.Asp856Tyr; replaces aspartic acid 856 with tyrosine.
Molecular consequence: missense variant. On other transcripts: non-coding transcript variant (1).
Genome position (GRCh38, 1-based): chr19:50,415,439, G>T. VCF-style: chr19-50415439-G-T. GRCh37 (hg19) VCF-style: chr19-50918696-G-T.
Other names: c.2566G>T, p.Asp856Tyr (NM_001256849.1); c.2644G>T, p.Asp882Tyr (NM_001308632.1); short protein forms D856Y, D882Y.
Identifiers: ClinVar variation 1793176 (VCV001793176.2), dbSNP rs2514053104, ClinGen allele CA406985266.